The following is an entry in ClinVar:

NM_001159699.2(FHL1):c.651C>T (p.Thr217=)

Gene: FHL1 (four and a half LIM domains 1; plus strand). Cytogenetic location: Xq26.3.
Variant type: single nucleotide variant.
Coding change: c.651C>T on transcript NM_001159699.2 (MANE Select); coding-DNA position 651, C replaced by T.
Protein change: p.Thr217=; no amino-acid change (threonine 217 retained).
Molecular consequence: synonymous variant. On other transcripts: non-coding transcript variant (1), intron variant (2).
Genome position (GRCh38, 1-based): chrX:136,208,556, C>T. VCF-style: chrX-136208556-C-T. GRCh37 (hg19) VCF-style: chrX-135290715-C-T.
Other names: c.603C>T, p.Thr201= (NM_001159700.2, NM_001159702.3, NM_001159704.1 and 8 more transcripts); c.690C>T, p.Thr230= (NM_001159701.2); c.501+595C>T (NM_001159703.2); c.549+595C>T (NM_001330659.2).
Identifiers: ClinVar variation 390927 (VCV000390927.16), dbSNP rs370597064, ClinGen allele CA10525044.
Genomic context (GRCh38, chrX:136,208,556, plus strand): 5'-GCATGCCGATTGCTTTGTGTGTGTTACCTGCTCTAAGAAGCTGGCTGGGCAGCGTTTCAC[C>T]GCTGTGGAGGACCAGTATTACTGCGTGGATTGCTACAAGAACTTTGTGGCCAAGAAGTGT-3'
Protein context (NP_001153171.1, residues 207-227): CSKKLAGQRF[Thr217=]AVEDQYYCVD

ClinVar aggregate classification (germline): Likely benign. Review status: criteria provided, multiple submitters, no conflicts (2 of 4 stars). 5 submissions from 5 submitters: Likely benign (5). Last evaluated 2026-04-01.

Conditions:
Cardiovascular phenotype. Identifiers: MedGen CN230736.
X-linked myopathy with postural muscle atrophy. Also called: FHL1-Related Emery-Dreifuss Muscular Dystrophy, X-Linked. Identifiers: Orphanet 178461, MedGen C2678055, MONDO:0010401, OMIM 300696.

Allele frequency attached by ClinVar (database versions not stated): ExAC 0.00003; gnomAD 0.00004; gnomAD exomes 0.00004 and 0.00012; TOPMed 0.00007; ESP Exome Variant Server 0.00009.
gnomAD v4.1: 128 of 1,209,441 alleles (0.011%); highest among the groups gnomAD compares: Non-Finnish European, 0.013%; no homozygotes.

Submissions (5):

CeGaT Center for Human Genetics Tuebingen
Classification: Likely benign. Last evaluated: 2026-04-01. Review status: criteria provided, single submitter. Criteria: CeGaT Center For Human Genetics Tuebingen Variant Classification Criteria Version 2. Collection method: clinical testing. Allele origin: germline. Affected: yes. Observed: 1 variant allele.
Comment: FHL1: BP4, BP7, BS2

Labcorp Genetics (formerly Invitae), Labcorp
Classification: Likely benign for X-linked myopathy with postural muscle atrophy. Last evaluated: 2026-02-01. Review status: criteria provided, single submitter. Criteria: Invitae Variant Classification Sherloc (09022015). Collection method: clinical testing. Allele origin: germline.

Ambry Genetics
Classification: Likely benign for Cardiovascular phenotype. Last evaluated: 2023-04-14. Review status: criteria provided, single submitter. Criteria: Ambry Variant Classification Scheme 2023. Collection method: clinical testing. Allele origin: germline.

Blueprint Genetics
Classification: Likely benign. Last evaluated: 2022-01-24. Review status: criteria provided, single submitter. Criteria: ACMG Guidelines, 2015. Collection method: clinical testing. Allele origin: germline.

GeneDx
Classification: Likely benign. Last evaluated: 2016-11-18. Review status: criteria provided, single submitter. Criteria: GeneDx Variant Classification (06012015). Collection method: clinical testing. Allele origin: germline. Affected: yes.
Comment: This variant is considered likely benign or benign based on one or more of the following criteria: it is a conservative change, it occurs at a poorly conserved position in the protein, it is predicted to be benign by multiple in silico algorithms, and/or has population frequency not consistent with disease.